The following is an entry in ClinVar:

ClinVar aggregate classification (germline): Benign/Likely benign. Review status: criteria provided, multiple submitters, no conflicts (2 of 4 stars). 7 submissions from 7 submitters: Benign (2); Likely benign (5). Last evaluated 2025-11-17.

Conditions:
Tuberous sclerosis 2 (TSC2). Identifiers: Orphanet 805, MedGen C1860707, MONDO:0013199, OMIM 613254.
Tuberous sclerosis syndrome (TSC). Also called: Tuberous Sclerosis Complex; Tuberous sclerosis. Identifiers: Orphanet 805, MedGen C0041341, MONDO:0001734.
Hereditary cancer-predisposing syndrome. Also called: Hereditary neoplastic syndrome; Tumor predisposition; Neoplastic Syndromes, Hereditary; Hereditary Cancer Syndrome. Identifiers: Orphanet 140162, MedGen C0027672, MeSH D009386, MONDO:0015356.

Allele frequency attached by ClinVar (database versions not stated): ExAC 0.00001; gnomAD 0.00002; gnomAD exomes 0.00002 and 0.00004.
gnomAD v4.1: 65 of 1,612,726 alleles (0.004%); highest among the groups gnomAD compares: Non-Finnish European, 0.005%; no homozygotes.

Submissions (7):

Labcorp Genetics (formerly Invitae), Labcorp
Classification: Likely benign for Tuberous sclerosis 2. Last evaluated: 2025-11-17. Review status: criteria provided, single submitter. Criteria: Invitae Variant Classification Sherloc (09022015). Collection method: clinical testing. Allele origin: germline.

Myriad Genetics, Inc.
Classification: Benign for Tuberous sclerosis 2. Last evaluated: 2025-05-20. Review status: criteria provided, single submitter. Criteria: Myriad Autosomal Dominant, Autosomal Recessive and X-Linked Classification Criteria (2023). Collection method: clinical testing. Allele origin: unknown.
Comment: This variant is considered benign. This variant is a silent/synonymous amino acid change and it is not expected to impact splicing.

Blueprint Genetics
Classification: Likely benign. Last evaluated: 2023-10-10. Review status: criteria provided, single submitter. Criteria: ACMG Guidelines, 2015. Collection method: clinical testing. Allele origin: germline.

Color Diagnostics, LLC DBA Color Health
Classification: Likely benign for Tuberous sclerosis syndrome. Last evaluated: 2022-09-26. Review status: criteria provided, single submitter. Criteria: ACMG Guidelines, 2015. Collection method: clinical testing. Allele origin: germline.

Genome-Nilou Lab
Classification: Benign for Tuberous sclerosis 2. Last evaluated: 2021-11-07. Review status: criteria provided, single submitter. Criteria: ACMG Guidelines, 2015. Collection method: clinical testing. Allele origin: germline. Affected: no.

CeGaT Center for Human Genetics Tuebingen
Classification: Likely benign. Last evaluated: 2021-04-01. Review status: criteria provided, single submitter. Criteria: CeGaT Center For Human Genetics Tuebingen Variant Classification Criteria Version 2. Collection method: clinical testing. Allele origin: germline. Affected: yes. Observed: 1 variant allele.

Ambry Genetics
Classification: Likely benign for Hereditary cancer-predisposing syndrome. Last evaluated: 2018-07-24. Review status: criteria provided, single submitter. Criteria: Ambry Variant Classification Scheme 2023. Collection method: clinical testing. Allele origin: germline.

NM_000548.5(TSC2):c.2412C>T (p.Cys804=)

Gene: TSC2 (TSC complex subunit 2; plus strand). Cytogenetic location: 16p13.3.
Variant type: single nucleotide variant.
Coding change: c.2412C>T on transcript NM_000548.5 (MANE Select); coding-DNA position 2412, C replaced by T.
Protein change: p.Cys804=; no amino-acid change (cysteine 804 retained).
Molecular consequence: synonymous variant.
Genome position (GRCh38, 1-based): chr16:2,074,256, C>T. VCF-style: chr16-2074256-C-T. GRCh37 (hg19) VCF-style: chr16-2124257-C-T.
Other names: c.2412C>T, p.Cys804= (NM_001077183.3, NM_001114382.3, NM_001363528.2 and 3 more transcripts); c.2301C>T, p.Cys767= (NM_001318827.2); c.2265C>T, p.Cys755= (NM_001318829.2); c.1812C>T, p.Cys604= (NM_001318831.2); c.2445C>T, p.Cys815= (NM_001318832.2).
Identifiers: ClinVar variation 467941 (VCV000467941.53), dbSNP rs763123951, ClinGen allele CA038981.
Genomic context (GRCh38, chr16:2,074,256, plus strand): 5'-GCAGCGCGAGATGGTCTACTGCCTGGAGCAGGGCCTCATCCACCGCTGTGCCAGCCAGTG[C>T]GTCGTGGCCTTGTCCATCTGCAGCGTGGAGATGCCTGACATCATCATCAAGGCGCTGCCT-3'
Protein context (NP_000539.2, residues 794-814): QGLIHRCASQ[Cys804=]VVALSICSVE